The following is an entry in ClinVar:

NM_001256545.2(MEGF10):c.2570G>C (p.Gly857Ala)

Gene: MEGF10 (multiple EGF like domains 10; plus strand). Cytogenetic location: 5q23.2.
Variant type: single nucleotide variant.
Coding change: c.2570G>C on transcript NM_001256545.2 (MANE Select); coding-DNA position 2570, G replaced by C.
Protein change: p.Gly857Ala; replaces glycine 857 with alanine.
Molecular consequence: missense variant.
Genome position (GRCh38, 1-based): chr5:127,445,535, G>C. VCF-style: chr5-127445535-G-C. GRCh37 (hg19) VCF-style: chr5-126781227-G-C.
Other names: c.2570G>C, p.Gly857Ala (NM_032446.3); short protein forms G857A.
Identifiers: ClinVar variation 651842 (VCV000651842.1), dbSNP rs1580880208, ClinGen allele CA360734688.
Genomic context (GRCh38, chr5:127,445,535, plus strand): 5'-GAAATCTGAACAGCTTAAGCCGAACCAGTACTGCTCTCCCTGCTGATTCCTACCAGATCG[G>C]GGCCATTGCAGGCATCATCATTCTTGTCCTAGTTGTTCTCTTCCTACTGGCATTGTTCAT-3'
Protein context (NP_001243474.1, residues 847-867): TALPADSYQI[Gly857Ala]AIAGIIILVL

ClinVar aggregate classification (germline): Uncertain significance (1 of 4 stars; one submission).

Conditions:
MEGF10-related myopathy (CMYO10A). Also called: Congenital myopathy 10A, severe variant. Identifiers: Orphanet 439212, MedGen C3280679, MONDO:0013731, OMIM 614399.

Allele frequency attached by ClinVar (database versions not stated): gnomAD exomes below 0.00001.
gnomAD v4.1: 1 of 1,614,016 alleles (0.000062%); highest among the groups gnomAD compares: Non-Finnish European, 0.000085%; no homozygotes.

Submission:

Labcorp Genetics (formerly Invitae), Labcorp
Classification: Uncertain significance for Myopathy, areflexia, respiratory distress, and dysphagia, early-onset. Last evaluated: 2018-09-21. Review status: criteria provided, single submitter. Criteria: Invitae Variant Classification Sherloc (09022015). Collection method: clinical testing. Allele origin: germline.
Comment: This sequence change replaces glycine with alanine at codon 857 of the MEGF10 protein (p.Gly857Ala). The glycine residue is highly conserved and there is a small physicochemical difference between glycine and alanine. This variant is not present in population databases (ExAC no frequency). This variant has not been reported in the literature in individuals with MEGF10-related disease. Algorithms developed to predict the effect of missense changes on protein structure and function output the following: SIFT: "Deleterious"; PolyPhen-2: "Benign"; Align-GVGD: "Class C0". The alanine amino acid residue is found in multiple mammalian species, suggesting that this missense change does not adversely affect protein function. These predictions have not been confirmed by published functional studies and their clinical significance is uncertain. In summary, the available evidence is currently insufficient to determine the role of this variant in disease. Therefore, it has been classified as a Variant of Uncertain Significance.